The following is an entry in ClinVar:

ClinVar aggregate classification (germline): Uncertain significance. Review status: criteria provided, multiple submitters, no conflicts (2 of 4 stars). 2 submissions from 2 submitters: Uncertain significance (2). Last evaluated 2025-08-10.

Conditions:
Inborn genetic diseases. Identifiers: MedGen C0950123, MeSH D030342.

Allele frequency attached by ClinVar (database versions not stated): ExAC 0.00002; gnomAD 0.00004; ESP Exome Variant Server 0.00008.
gnomAD v4.1: 13 of 1,613,142 alleles (0.00081%); highest among the groups gnomAD compares: Admixed American, 0.0067%; no homozygotes.

Submissions (2):

Ambry Genetics
Classification: Uncertain significance for Inborn genetic diseases. Last evaluated: 2025-08-10. Review status: criteria provided, single submitter. Criteria: Ambry Variant Classification Scheme 2023. Collection method: clinical testing. Allele origin: germline.

Labcorp Genetics (formerly Invitae), Labcorp
Classification: Uncertain significance. Last evaluated: 2021-12-02. Review status: criteria provided, single submitter. Criteria: Invitae Variant Classification Sherloc (09022015). Collection method: clinical testing. Allele origin: germline.
Comment: This sequence change replaces arginine, which is basic and polar, with histidine, which is basic and polar, at codon 3218 of the PCLO protein (p.Arg3218His). This variant is present in population databases (rs376658400, gnomAD 0.007%). This variant has not been reported in the literature in individuals affected with PCLO-related conditions. Algorithms developed to predict the effect of missense changes on protein structure and function are either unavailable or do not agree on the potential impact of this missense change (SIFT: "Deleterious"; PolyPhen-2: "Not Available"; Align-GVGD: "Class C0"). In summary, the available evidence is currently insufficient to determine the role of this variant in disease. Therefore, it has been classified as a Variant of Uncertain Significance.

NM_033026.6(PCLO):c.9653G>A (p.Arg3218His)

Gene: PCLO (piccolo presynaptic cytomatrix protein; minus strand). Cytogenetic location: 7q21.11.
Variant type: single nucleotide variant.
Coding change: c.9653G>A on transcript NM_033026.6 (MANE Select); coding-DNA position 9653, G replaced by A.
Protein change: p.Arg3218His; replaces arginine 3218 with histidine.
Molecular consequence: missense variant.
Genome position (GRCh38, 1-based): chr7:82,950,935, C>T on the plus strand (G>A on the coding strand, the complement: PCLO is on the minus strand). VCF-style: chr7-82950935-C-T. GRCh37 (hg19) VCF-style: chr7-82580251-C-T.
Other names: c.9653G>A (NM_033026.5); c.9653G>A, p.Arg3218His (NM_014510.3); short protein forms R3218H.
Identifiers: ClinVar variation 1902275 (VCV001902275.3), dbSNP rs376658400, ClinGen allele CA4319876.